The following is an entry in ClinVar:

NM_006648.4(WNK2):c.6496G>T (p.Ala2166Ser)

Gene: WNK2 (WNK lysine deficient protein kinase 2; plus strand). Cytogenetic location: 9q22.31.
Variant type: single nucleotide variant.
Coding change: c.6496G>T on transcript NM_006648.4 (MANE Select); coding-DNA position 6496, G replaced by T.
Protein change: p.Ala2166Ser; replaces alanine 2166 with serine.
Molecular consequence: missense variant.
Genome position (GRCh38, 1-based): chr9:93,308,564, G>T. VCF-style: chr9-93308564-G-T. GRCh37 (hg19) VCF-style: chr9-96070846-G-T.
Other names: c.6607G>T, p.Ala2203Ser (NM_001282394.3); short protein forms A2166S, A2203S.
Identifiers: ClinVar variation 3816724 (VCV003816724.1).

ClinVar aggregate classification (germline): Uncertain significance (1 of 4 stars; one submission).

Submission:

Ambry Genetics
Classification: Uncertain significance. Last evaluated: 2025-01-05. Review status: criteria provided, single submitter. Criteria: Ambry Variant Classification Scheme 2023. Collection method: clinical testing. Allele origin: germline.
Comment: The p.A2166S variant (also known as c.6496G>T), located in coding exon 27 of the WNK2 gene, results from a G to T substitution at nucleotide position 6496. The alanine at codon 2166 is replaced by serine, an amino acid with similar properties. This amino acid position is conserved. In addition, this alteration is predicted to be tolerated by in silico analysis. Based on the available evidence, the clinical significance of this variant remains unclear.